The following is an entry in ClinVar:

NM_000154.2(GALK1):c.267G>T (p.Gln89His)

Gene: GALK1 (galactokinase 1; minus strand). Cytogenetic location: 17q25.1.
Variant type: single nucleotide variant.
Coding change: c.267G>T on transcript NM_000154.2 (MANE Select); coding-DNA position 267, G replaced by T.
Protein change: p.Gln89His; replaces glutamine 89 with histidine.
Molecular consequence: missense variant.
Genome position (GRCh38, 1-based): chr17:75,763,985, C>A on the plus strand (G>T on the coding strand, the complement: GALK1 is on the minus strand). VCF-style: chr17-75763985-C-A. GRCh37 (hg19) VCF-style: chr17-73760066-C-A.
Other names: short protein forms Q89H.
Identifiers: ClinVar variation 891334 (VCV000891334.8), dbSNP rs144915547, ClinGen allele CA8771014.

ClinVar aggregate classification (germline): Uncertain significance. Review status: criteria provided, multiple submitters, no conflicts (2 of 4 stars). 3 submissions from 3 submitters: Uncertain significance (3). Last evaluated 2024-09-10.

Conditions:
Inborn genetic diseases. Identifiers: MedGen C0950123, MeSH D030342.
Deficiency of galactokinase. Also called: GALACTOSEMIA II; Galactokinase deficiency with cataracts. Identifiers: Orphanet 352, Orphanet 79237, MedGen C0268155, MONDO:0009255, OMIM 230200.

Allele frequency attached by ClinVar (database versions not stated): gnomAD exomes 0.00005 and 0.00008; gnomAD 0.00006; TOPMed 0.00006; ExAC 0.00010; ESP Exome Variant Server 0.00015.
gnomAD v4.1: 120 of 1,612,250 alleles (0.0074%); highest among the groups gnomAD compares: Non-Finnish European, 0.0097%; no homozygotes.

Submissions (3):

Ambry Genetics
Classification: Uncertain significance for Inborn genetic diseases. Last evaluated: 2024-09-10. Review status: criteria provided, single submitter. Criteria: Ambry Variant Classification Scheme 2023. Collection method: clinical testing. Allele origin: germline.

Labcorp Genetics (formerly Invitae), Labcorp
Classification: Uncertain significance for Deficiency of galactokinase. Last evaluated: 2024-08-05. Review status: criteria provided, single submitter. Criteria: Invitae Variant Classification Sherloc (09022015). Collection method: clinical testing. Allele origin: germline.
Comment: This sequence change replaces glutamine, which is neutral and polar, with histidine, which is basic and polar, at codon 89 of the GALK1 protein (p.Gln89His). This variant is present in population databases (rs144915547, gnomAD 0.01%). This variant has not been reported in the literature in individuals affected with GALK1-related conditions. ClinVar contains an entry for this variant (Variation ID: 891334). Advanced modeling of protein sequence and biophysical properties (such as structural, functional, and spatial information, amino acid conservation, physicochemical variation, residue mobility, and thermodynamic stability) performed at Invitae indicates that this missense variant is not expected to disrupt GALK1 protein function with a negative predictive value of 80%. In summary, the available evidence is currently insufficient to determine the role of this variant in disease. Therefore, it has been classified as a Variant of Uncertain Significance.

Illumina Laboratory Services, Illumina
Classification: Uncertain significance for Deficiency of galactokinase. Last evaluated: 2018-01-13. Review status: criteria provided, single submitter. Criteria: ICSL Variant Classification Criteria 13 December 2019. Collection method: clinical testing. Allele origin: germline.